The following is an entry in ClinVar:

ClinVar aggregate classification (germline): Uncertain significance (1 of 4 stars; one submission).

Submission:

Labcorp Genetics (formerly Invitae), Labcorp
Classification: Uncertain significance. Last evaluated: 2025-08-25. Review status: criteria provided, single submitter. Criteria: Invitae Variant Classification Sherloc (09022015). Collection method: clinical testing. Allele origin: germline.
Comment: This variant, c.270_272dup, results in the insertion of 1 amino acid(s) of the GAS1 protein (p.Ala91dup), but otherwise preserves the integrity of the reading frame. This variant is present in population databases (rs780228522, gnomAD 0.03%). This variant has not been reported in the literature in individuals affected with GAS1-related conditions. Experimental studies and prediction algorithms are not available or were not evaluated, and the functional significance of this variant is currently unknown. In summary, the available evidence is currently insufficient to determine the role of this variant in disease. Therefore, it has been classified as a Variant of Uncertain Significance.

NM_002048.3(GAS1):c.261CGC[5] (p.Ala91_Phe92insAla)

Genes: GAS1 (growth arrest specific 1; minus strand), LOC130001972 (ATAC-STARR-seq lymphoblastoid silent region 19998; plus strand). Cytogenetic location: 9q21.33.
Variant type: Microsatellite.
Coding change: c.261CGC[5] on transcript NM_002048.3 (MANE Select); five copies in a row of the 3-base unit CGC starting at c.261; the reference has four copies in a row; one copy, 3 bases duplicated.
Protein change: p.Ala91_Phe92insAla.
Molecular consequence: inframe insertion.
Genome position (GRCh38, 1-based): chr9:86,946,508-86,946,510, GCG duplicated on the plus strand (CGC on the coding strand, the reverse complement: GAS1 is on the minus strand); duplicating any 3 consecutive bases within chr9:86,946,508-86,946,521 gives the same sequence; the position shown is the placement nearest the transcript's 3' end. VCF-style (leftmost placement, unchanged base first): chr9-86946507-A-AGCG. GRCh37 (hg19) VCF-style: chr9-89561422-A-AGCG.
Identifiers: ClinVar variation 4804527 (VCV004804527.1).